The following is an entry in ClinVar:

ClinVar aggregate classification (germline): Uncertain significance (1 of 4 stars; one submission).

Conditions:
Multiple endocrine neoplasia, type 2 (MEN2). Identifiers: Orphanet 653, MedGen C4048306, MONDO:0019003. Disease mechanism: gain of function.

Submission:

Labcorp Genetics (formerly Invitae), Labcorp
Classification: Uncertain significance for Multiple endocrine neoplasia, type 2. Last evaluated: 2020-07-08. Review status: criteria provided, single submitter. Criteria: Invitae Variant Classification Sherloc (09022015). Collection method: clinical testing. Allele origin: germline.
Comment: In summary, the available evidence is currently insufficient to determine the role of this variant in disease. Therefore, it has been classified as a Variant of Uncertain Significance. Algorithms developed to predict the effect of missense changes on protein structure and function (SIFT, PolyPhen-2, Align-GVGD) all suggest that this variant is likely to be tolerated, but these predictions have not been confirmed by published functional studies and their clinical significance is uncertain. This variant has not been reported in the literature in individuals with RET-related conditions. This variant is not present in population databases (ExAC no frequency). This sequence change replaces histidine with arginine at codon 71 of the RET protein (p.His71Arg). The histidine residue is weakly conserved and there is a small physicochemical difference between histidine and arginine.

NM_020975.6(RET):c.212A>G (p.His71Arg)

Gene: RET (ret proto-oncogene; plus strand). Cytogenetic location: 10q11.21.
Variant type: single nucleotide variant.
Coding change: c.212A>G on transcript NM_020975.6 (MANE Select); coding-DNA position 212, A replaced by G.
Protein change: p.His71Arg; replaces histidine 71 with arginine.
Molecular consequence: missense variant.
Genome position (GRCh38, 1-based): chr10:43,100,597, A>G. VCF-style: chr10-43100597-A-G. GRCh37 (hg19) VCF-style: chr10-43596045-A-G.
Other names: c.212A>G, p.His71Arg (NM_000323.2, NM_001406743.1, NM_001406744.1 and 34 more transcripts); short protein forms H71R.
Identifiers: ClinVar variation 1003396 (VCV001003396.9), dbSNP rs1837618595, ClinGen allele CA376770324.